The following is an entry in ClinVar:

NM_018109.3:c.-6_-5dup

Gene: MTPAP (mitochondrial poly(A) polymerase; minus strand).
Variant type: Insertion.
Identifiers: ClinVar variation 4683504 (VCV004683504.1).

ClinVar aggregate classification (germline): Likely benign (1 of 4 stars; one submission).

Submission:

Mayo Clinic Laboratories, Mayo Clinic
Classification: Likely benign. Last evaluated: 2024-08-02. Review status: criteria provided, single submitter. Criteria: ACMG Guidelines, 2015. Collection method: clinical testing. Allele origin: germline. Observed: 9 variant alleles.
Comment: BP4, BP7